The following is an entry in ClinVar:

ClinVar aggregate classification (germline): Uncertain significance. Review status: criteria provided, single submitter (1 of 4 stars). 2 submissions from 2 submitters: Uncertain significance (1). 1 of the submissions does not count toward it. Last evaluated 2024-10-21.

Conditions:
Lethal multiple pterygium syndrome (LMPS). Identifiers: Orphanet 33108, MedGen C1854678, MONDO:0009668, OMIM 253290.

Allele frequency attached by ClinVar (database versions not stated): gnomAD 0.00001; TOPMed 0.00002; gnomAD exomes 0.00004; ExAC 0.00005; ESP Exome Variant Server 0.00008.
gnomAD v4.1: 38 of 1,613,716 alleles (0.0024%); highest among the groups gnomAD compares: Middle Eastern, 0.033%; no homozygotes.

Submissions (2):

Labcorp Genetics (formerly Invitae), Labcorp
Classification: Uncertain significance for Lethal multiple pterygium syndrome. Last evaluated: 2024-10-21. Review status: criteria provided, single submitter. Criteria: Invitae Variant Classification Sherloc (09022015). Collection method: clinical testing. Allele origin: germline.
Comment: This sequence change replaces valine, which is neutral and non-polar, with methionine, which is neutral and non-polar, at codon 45 of the CHRND protein (p.Val45Met). This variant is present in population databases (rs372310402, gnomAD 0.007%). This variant has not been reported in the literature in individuals affected with CHRND-related conditions. ClinVar contains an entry for this variant (Variation ID: 1049865). Invitae Evidence Modeling of protein sequence and biophysical properties (such as structural, functional, and spatial information, amino acid conservation, physicochemical variation, residue mobility, and thermodynamic stability) has been performed for this missense variant. However, the output from this modeling did not meet the statistical confidence thresholds required to predict the impact of this variant on CHRND protein function. In summary, the available evidence is currently insufficient to determine the role of this variant in disease. Therefore, it has been classified as a Variant of Uncertain Significance.

Department of Pathology and Laboratory Medicine, Sinai Health System
Classification: Uncertain significance. Review status: no assertion criteria provided. Collection method: clinical testing. Allele origin: unknown. Affected: yes. Study: The Canadian Open Genetics Repository (COGR). Not counted in ClinVar's aggregate classification.
Comment: The CHRND p.Val45Met variant was not identified in the literature nor was it identified in ClinVar. The variant was identified in dbSNP (ID: rs372310402) and in control databases in 10 of 251188 chromosomes at a frequency of 0.00003981 (Genome Aggregation Database March 6, 2019, v2.1.1). The variant was observed in the following populations: European (non-Finnish) in 8 of 113548 chromosomes (freq: 0.00007), African in 1 of 16238 chromosomes (freq: 0.000062) and South Asian in 1 of 30614 chromosomes (freq: 0.000033), but was not observed in the Latino, Ashkenazi Jewish, East Asian, European (Finnish), or Other populations. The p.Val45 residue is conserved in mammals and computational analyses (PolyPhen-2, SIFT, AlignGVGD, BLOSUM, MutationTaster) provide inconsistent predictions regarding the impact to the protein; this information is not very predictive of pathogenicity. The variant occurs outside of the splicing consensus sequence and in silico or computational prediction software programs (SpliceSiteFinder, MaxEntScan, NNSPLICE, GeneSplicer) do not predict a difference in splicing. In summary, based on the above information the clinical significance of this variant cannot be determined with certainty at this time. This variant is classified as a variant of uncertain significance.

NM_000751.3(CHRND):c.133G>A (p.Val45Met)

Gene: CHRND (cholinergic receptor nicotinic delta subunit; plus strand). Cytogenetic location: 2q37.1.
Variant type: single nucleotide variant.
Coding change: c.133G>A on transcript NM_000751.3 (MANE Select); coding-DNA position 133, G replaced by A.
Protein change: p.Val45Met; replaces valine 45 with methionine.
Molecular consequence: missense variant. On other transcripts: 5 prime UTR variant (2).
Genome position (GRCh38, 1-based): chr2:232,526,609, G>A. VCF-style: chr2-232526609-G-A. GRCh37 (hg19) VCF-style: chr2-233391319-G-A.
Other names: c.133G>A, p.Val45Met (NM_001256657.2); c.-139G>A (NM_001311195.2, NM_001311196.2); short protein forms V45M.
Identifiers: ClinVar variation 1049865 (VCV001049865.3), dbSNP rs372310402, ClinGen allele CA2167907.